The following is an entry in ClinVar:

ClinVar aggregate classification (germline): Benign. Review status: criteria provided, multiple submitters, no conflicts (2 of 4 stars). 2 submissions from 2 submitters: Benign (2). Last evaluated 2018-01-13.

Conditions:
Warburg micro syndrome 3 (WARBM3). Also called: MICRO SYNDROME 3. Identifiers: Orphanet 2510, MedGen C3280203, MONDO:0013638, OMIM 614222.

Allele frequency attached by ClinVar (database versions not stated): ExAC 0.23649; gnomAD exomes 0.24775 and 0.21198; 1000 Genomes Project 30x 0.27155; gnomAD 0.19806; TOPMed 0.21759; 1000 Genomes Project 0.27276.
gnomAD v4.1: 94,376 of 453,364 alleles (21%); highest among the groups gnomAD compares: Admixed American, 38%; 11,473 homozygotes.

Submissions (2):

Illumina Laboratory Services, Illumina
Classification: Benign for Warburg micro syndrome 3. Last evaluated: 2018-01-13. Review status: criteria provided, single submitter. Criteria: ICSL Variant Classification Criteria 13 December 2019. Collection method: clinical testing. Allele origin: germline.
Comment: This variant was observed in the ICSL laboratory as part of a predisposition screen in an ostensibly healthy population. It had not been previously curated by ICSL or reported in the Human Gene Mutation Database (HGMD: prior to June 1st, 2018), and was therefore a candidate for classification through an automated scoring system. Utilizing variant allele frequency, disease prevalence and penetrance estimates, and inheritance mode, an automated score was calculated to assess if this variant is too frequent to cause the disease. Based on the score and internal cut-off values, a variant classified as benign is not then subjected to further curation. The score for this variant resulted in a classification of benign for this disease.

Breakthrough Genomics
Classification: Benign. Review status: criteria provided, single submitter. Criteria: ACMG Guidelines, 2015. Collection method: not provided. Allele origin: germline. Inheritance: Autosomal recessive inheritance. Affected: yes.

NM_021252.5(RAB18):c.*3696T>A

Gene: RAB18 (RAB18, member RAS oncogene family; plus strand). Cytogenetic location: 10p12.1.
Variant type: single nucleotide variant.
Coding change: c.*3696T>A on transcript NM_021252.5 (MANE Select); 3696 bases downstream of the stop codon, T replaced by A.
Molecular consequence: 3 prime UTR variant. On other transcripts: non-coding transcript variant (1).
Genome position (GRCh38, 1-based): chr10:27,541,747, T>A. VCF-style: chr10-27541747-T-A. GRCh37 (hg19) VCF-style: chr10-27830676-T-A.
Other names: c.*3696T>A (NM_001256410.2, NM_001256412.2); c.*3656T>A (NM_001256411.2).
Identifiers: ClinVar variation 299876 (VCV000299876.6), dbSNP rs10829269, ClinGen allele CA5452603.
Genomic context (GRCh38, chr10:27,541,747, plus strand): 5'-TTTTTTGTGTTTCTTTGATTACTAGTGAGCTTGAGTACTTTTAATATTTTATTGGATATG[T>A]TTGTGACTGACTTTAATTTCTTGTTTGTGTGTGCTGTGGCTGCCCGATCCAGCACCTACT-3'